The following is an entry in ClinVar:

NM_024740.2(ALG9):c.100C>T (p.Arg34Ter)

Genes: ALG9 (ALG9 alpha-1,2-mannosyltransferase; minus strand), LOC130006752 (ATAC-STARR-seq lymphoblastoid silent region 3902; plus strand). Cytogenetic location: 11q23.1.
Variant type: single nucleotide variant.
Coding change: c.100C>T on transcript NM_024740.2 (MANE Select); coding-DNA position 100, C replaced by T.
Protein change: p.Arg34Ter; replaces arginine 34 with a stop codon.
Molecular consequence: nonsense. On other transcripts: 5 prime UTR variant (3).
Genome position (GRCh38, 1-based): chr11:111,871,383, G>A on the plus strand (C>T on the coding strand, the complement: ALG9 is on the minus strand). VCF-style: chr11-111871383-G-A. GRCh37 (hg19) VCF-style: chr11-111742106-G-A.
Other names: c.100C>T, p.Arg34Ter (NM_001077690.1, NM_001352417.1, NM_001352418.1); c.-275C>T (NM_001352409.1); c.-418C>T (NM_001352410.1, NM_001352413.1); short protein forms R34*.
Identifiers: ClinVar variation 3682961 (VCV003682961.2).

ClinVar aggregate classification (germline): Pathogenic (1 of 4 stars; one submission).

Conditions:
ALG9 congenital disorder of glycosylation (CDG1L). Also called: CONGENITAL DISORDER OF GLYCOSYLATION, TYPE Il; ALG9-CDG; CDG Il. Identifiers: Orphanet 79328, MedGen C2931006, MONDO:0012117, OMIM 608776.

Submission:

Labcorp Genetics (formerly Invitae), Labcorp
Classification: Pathogenic for ALG9 congenital disorder of glycosylation. Last evaluated: 2024-12-16. Review status: criteria provided, single submitter. Criteria: Invitae Variant Classification Sherloc (09022015). Collection method: clinical testing. Allele origin: germline.
Comment: This sequence change creates a premature translational stop signal (p.Arg34*) in the ALG9 gene. It is expected to result in an absent or disrupted protein product. Loss-of-function variants in ALG9 are known to be pathogenic (PMID: 25966638). This variant is not present in population databases (gnomAD no frequency). This variant has not been reported in the literature in individuals affected with ALG9-related conditions. For these reasons, this variant has been classified as Pathogenic.

Literature cited by the submitters: PubMed 25966638.